The following is an entry in ClinVar:

ClinVar aggregate classification (germline): Uncertain significance (1 of 4 stars; one submission).

Conditions:
Malignant hyperthermia, susceptibility to, 5 (MHS5). Also called: CACNA1S-Related Malignant Hyperthermia Susceptibility. Identifiers: Orphanet 423, MedGen C1866077, MONDO:0011163, OMIM 601887.

Submission:

Color Diagnostics, LLC DBA Color Health
Classification: Uncertain significance for Malignant hyperthermia, susceptibility to, 5. Last evaluated: 2025-06-17. Review status: criteria provided, single submitter. Criteria: ACMG Guidelines, 2015. Collection method: clinical testing. Allele origin: germline.
Comment: This missense variant replaces serine with tyrosine at codon 387 of the CACNA1S protein. Computational prediction suggests that this variant may not impact protein structure and function. To our knowledge, functional studies have not been reported for this variant. This variant has not been reported in individuals affected with CACNA1S-related disorders in the literature. This variant has not been identified in the general population by the Genome Aggregation Database (gnomAD). The available evidence is insufficient to determine the role of this variant in disease conclusively. Therefore, this variant is classified as a Variant of Uncertain Significance.

NM_000069.3(CACNA1S):c.1160C>A (p.Ser387Tyr)

Gene: CACNA1S (calcium voltage-gated channel subunit alpha1 S; minus strand). Cytogenetic location: 1q32.1.
Variant type: single nucleotide variant.
Coding change: c.1160C>A on transcript NM_000069.3 (MANE Select); coding-DNA position 1160, C replaced by A.
Protein change: p.Ser387Tyr; replaces serine 387 with tyrosine.
Molecular consequence: missense variant.
Genome position (GRCh38, 1-based): chr1:201,085,022, G>T on the plus strand (C>A on the coding strand, the complement: CACNA1S is on the minus strand). VCF-style: chr1-201085022-G-T. GRCh37 (hg19) VCF-style: chr1-201054150-G-T.
Other names: short protein forms S387Y.
Identifiers: ClinVar variation 4757169 (VCV004757169.1).